The following is an entry in ClinVar:

NM_000465.4(BARD1):c.107A>G (p.His36Arg)

Gene: BARD1 (BRCA1 associated RING domain 1; minus strand). Cytogenetic location: 2q35.
Variant type: single nucleotide variant.
Coding change: c.107A>G on transcript NM_000465.4 (MANE Select); coding-DNA position 107, A replaced by G.
Protein change: p.His36Arg; replaces histidine 36 with arginine.
Molecular consequence: missense variant. On other transcripts: non-coding transcript variant (3).
Genome position (GRCh38, 1-based): chr2:214,809,463, T>C on the plus strand (A>G on the coding strand, the complement: BARD1 is on the minus strand). VCF-style: chr2-214809463-T-C. GRCh37 (hg19) VCF-style: chr2-215674187-T-C.
Other names: c.107A>G, p.His36Arg (NM_001282543.2, NM_001282545.2, NM_001282548.2 and 1 more transcripts); short protein forms H36R.
Identifiers: ClinVar variation 220710 (VCV000220710.23), dbSNP rs864622635, ClinGen allele CA349168.

ClinVar aggregate classification (germline): Uncertain significance. Review status: criteria provided, multiple submitters, no conflicts (2 of 4 stars). 5 submissions from 5 submitters: Uncertain significance (5). Last evaluated 2025-10-15.

Conditions:
BARD1-related cancer predisposition. Identifiers: MedGen CN377756, MONDO:0700267.
Hereditary cancer-predisposing syndrome. Also called: Hereditary neoplastic syndrome; Tumor predisposition; Hereditary Cancer Syndrome; Neoplastic Syndromes, Hereditary. Identifiers: Orphanet 140162, MedGen C0027672, MeSH D009386, MONDO:0015356.
Familial cancer of breast. Also called: hereditary breast carcinoma; Hereditary breast cancer; BREAST CANCER, FAMILIAL. Identifiers: Orphanet 227535, MedGen C0346153, MONDO:0016419, OMIM 114480. Disease mechanism: loss of function.

gnomAD v4.1: 1 of 1,611,128 alleles (0.000062%); highest among the groups gnomAD compares: Non-Finnish European, 0.000085%; no homozygotes.

Submissions (5):

Ambry Genetics
Classification: Uncertain significance for Hereditary cancer-predisposing syndrome. Last evaluated: 2025-10-15. Review status: criteria provided, single submitter. Criteria: Ambry Variant Classification Scheme 2023. Collection method: clinical testing. Allele origin: germline.
Comment: The p.H36R variant (also known as c.107A>G), located in coding exon 1 of the BARD1 gene, results from an A to G substitution at nucleotide position 107. The histidine at codon 36 is replaced by arginine, an amino acid with highly similar properties. This amino acid position is well conserved in available vertebrate species. In addition, this alteration is predicted to be tolerated by in silico analysis. Since supporting evidence is limited at this time, the clinical significance of this alteration remains unclear.

Department of Pathology and Laboratory Medicine, Sinai Health System
Classification: Uncertain significance for BARD1-related cancer predisposition. Last evaluated: 2025-01-06. Review status: criteria provided, single submitter. Criteria: ACMG Guidelines, 2015. Collection method: clinical testing. Allele origin: germline.

Labcorp Genetics (formerly Invitae), Labcorp
Classification: Uncertain significance for Familial cancer of breast. Last evaluated: 2024-10-08. Review status: criteria provided, single submitter. Criteria: Invitae Variant Classification Sherloc (09022015). Collection method: clinical testing. Allele origin: germline.
Comment: This sequence change replaces histidine, which is basic and polar, with arginine, which is basic and polar, at codon 36 of the BARD1 protein (p.His36Arg). This variant is not present in population databases (gnomAD no frequency). This variant has not been reported in the literature in individuals affected with BARD1-related conditions. ClinVar contains an entry for this variant (Variation ID: 220710). An algorithm developed to predict the effect of missense changes on protein structure and function (PolyPhen-2) suggests that this variant is likely to be tolerated. In summary, the available evidence is currently insufficient to determine the role of this variant in disease. Therefore, it has been classified as a Variant of Uncertain Significance.

Color Diagnostics, LLC DBA Color Health
Classification: Uncertain significance for Hereditary cancer-predisposing syndrome. Last evaluated: 2024-03-06. Review status: criteria provided, single submitter. Criteria: ACMG Guidelines, 2015. Collection method: clinical testing. Allele origin: germline.
Comment: This missense variant replaces histidine with arginine at codon 36 of the BARD1 protein. Computational prediction suggests that this variant may not impact protein structure and function (internally defined REVEL score threshold <= 0.5, PMID: 27666373). To our knowledge, functional studies have not been reported for this variant. This variant has not been reported in individuals affected with hereditary cancer in the literature. This variant has not been identified in the general population by the Genome Aggregation Database (gnomAD). The available evidence is insufficient to determine the role of this variant in disease conclusively. Therefore, this variant is classified as a Variant of Uncertain Significance.

GeneDx
Classification: Uncertain significance. Last evaluated: 2022-12-15. Review status: criteria provided, single submitter. Criteria: GeneDx Variant Classification Process June 2021. Collection method: clinical testing. Allele origin: germline. Affected: yes.
Comment: Not observed at significant frequency in large population cohorts (gnomAD); In silico analysis supports that this missense variant does not alter protein structure/function; Has not been previously published as pathogenic or benign to our knowledge; This variant is associated with the following publications: (PMID: 18480049)